The following is an entry in ClinVar:

ClinVar aggregate classification (germline): Pathogenic. Review status: reviewed by expert panel (3 of 4 stars). 2 submissions from 2 submitters: Pathogenic (1). 1 of the submissions does not count toward it. Last evaluated 2016-10-18.

Conditions:
Breast-ovarian cancer, familial, susceptibility to, 2 (BROVCA2). Also called: BRCA2 Hereditary Breast and Ovarian Cancer. Identifiers: Orphanet 145, MedGen C2675520, MONDO:0012933, OMIM 612555. Disease mechanism: loss of function.

Submissions (2):

Evidence-based Network for the Interpretation of Germline Mutant Alleles (ENIGMA)
Classification: Pathogenic for Breast-ovarian cancer, familial, susceptibility to, 2. Last evaluated: 2016-10-18. Review status: reviewed by expert panel. Criteria: ENIGMA BRCA1/2 Classification Criteria (2015). Collection method: curation. Allele origin: germline.
Comment: Variant allele predicted to encode a truncated non-functional protein.

Consortium of Investigators of Modifiers of BRCA1/2 (CIMBA), c/o University of Cambridge
Classification: Pathogenic for Breast-ovarian cancer, familial, susceptibility to, 2. Last evaluated: 2015-10-02. Review status: criteria provided, single submitter. Criteria: CIMBA Mutation Classification guidelines May 2016. Collection method: clinical testing. Allele origin: germline. Not counted in ClinVar's aggregate classification.

NM_000059.4(BRCA2):c.2208del (p.Ala737fs)

Gene: BRCA2 (BRCA2 DNA repair associated; plus strand). Cytogenetic location: 13q13.1.
Variant type: Deletion.
Coding change: c.2208del on transcript NM_000059.4 (MANE Select); coding-DNA position 2208, one base deleted (A; older notation c.2208delA).
Protein change: p.Ala737fs; shifts the reading frame from alanine 737.
Molecular consequence: frameshift variant.
Genome position (GRCh38, 1-based): chr13:32,336,563, A deleted. VCF-style (leftmost placement, unchanged base first): chr13-32336562-CA-C. GRCh37 (hg19) VCF-style: chr13-32910699-CA-C.
Other names: 2436delA; short protein forms A737fs.
Identifiers: ClinVar variation 266685 (VCV000266685.5), dbSNP rs886040412, ClinGen allele CA10589142.
Genomic context (GRCh38, chr13:32,336,562, plus strand): 5'-AGTGTGAAAATGATCCAAAAAGCAAAAAAGTTTCAGATATAAAAGAAGAGGTCTTGGCTG[CA>C]GCATGTCACCCAGTACAACATTCAAAAGTGGAATACAGTGATACTGACTTTCAATCCCAG-3'